The following is an entry in ClinVar:

ClinVar aggregate classification (germline): Pathogenic. Review status: criteria provided, multiple submitters, no conflicts (2 of 4 stars). 3 submissions from 3 submitters: Pathogenic (3). Last evaluated 2026-01-21.

Conditions:
Bloom syndrome (BLM). Also called: Bloom-Torre-Machacek syndrome. Identifiers: Orphanet 125, MedGen C0005859, MONDO:0008876, OMIM 210900.

Submissions (3):

Labcorp Genetics (formerly Invitae), Labcorp
Classification: Pathogenic for Bloom syndrome. Last evaluated: 2026-01-21. Review status: criteria provided, single submitter. Criteria: Invitae Variant Classification Sherloc (09022015). Collection method: clinical testing. Allele origin: germline.
Comment: This sequence change creates a premature translational stop signal (p.Cys704Trpfs*33) in the BLM gene. It is expected to result in an absent or disrupted protein product. Loss-of-function variants in BLM are known to be pathogenic (PMID: 17407155). This variant is not present in population databases (gnomAD no frequency). This variant has not been reported in the literature in individuals affected with BLM-related conditions. ClinVar contains an entry for this variant (Variation ID: 1708069). For these reasons, this variant has been classified as Pathogenic.

First Genomix Gene Laboratory, Genetic Diagnostics Department
Classification: Pathogenic for Bloom syndrome. Last evaluated: 2026-01-02. Review status: criteria provided, single submitter. Criteria: ACMG Guidelines, 2015. Collection method: clinical testing. Allele origin: germline. Inheritance: Autosomal recessive inheritance. Affected: no. Observed: 1 variant allele.

Laboratory of Medical Genetics, National & Kapodistrian University of Athens
Classification: Pathogenic for Bloom syndrome. Last evaluated: 2021-10-04. Review status: criteria provided, single submitter. Criteria: ACMG Guidelines, 2015. Collection method: clinical testing. Allele origin: germline. Affected: yes.
Comment: PVS1, PM2, PP4

Literature cited by the submitters: PubMed 17407155 (cited by Labcorp Genetics (formerly Invitae), Labcorp).

NM_000057.4(BLM):c.2112_2122del (p.Cys704fs)

Gene: BLM (BLM RecQ like helicase; plus strand). Cytogenetic location: 15q26.1.
Variant type: Deletion.
Coding change: c.2112_2122del on transcript NM_000057.4 (MANE Select); coding-DNA positions 2112 to 2122, 11 bases deleted (TGTTTCTCCTG).
Protein change: p.Cys704fs; shifts the reading frame from cysteine 704.
Molecular consequence: frameshift variant.
Genome position (GRCh38, 1-based): chr15:90,765,333-90,765,343, TGTTTCTCCTG deleted; deleting any 11 consecutive bases within chr15:90,765,329-90,765,343 gives the same sequence; the c. name uses the placement nearest the transcript's 3' end. VCF-style (leftmost placement, unchanged base first): chr15-90765328-GCCTGTGTTTCT-G. GRCh37 (hg19) VCF-style: chr15-91308558-GCCTGTGTTTCT-G.
Other names: c.2112_2122del, p.Cys704fs (NM_001287246.2, NM_001287247.2); c.987_997del, p.Cys329fs (NM_001287248.2); short protein forms C329fs, C704fs.
Identifiers: ClinVar variation 1708069 (VCV001708069.7), dbSNP rs2505441268, ClinGen allele CA2580090523.